The following is an entry in ClinVar:

ClinVar aggregate classification (germline): Pathogenic (1 of 4 stars; one submission).

Conditions:
Hereditary spastic paraplegia 4. Also called: Spastic paraplegia 4, autosomal dominant; Familial spastic paraplegia autosomal dominant 2; Spastic Paraplegia 4. Identifiers: Orphanet 100985, MedGen C1866855, MONDO:0008438, OMIM 182601.

Submission:

Labcorp Genetics (formerly Invitae), Labcorp
Classification: Pathogenic for Hereditary spastic paraplegia 4. Last evaluated: 2024-02-24. Review status: criteria provided, single submitter. Criteria: Invitae Variant Classification Sherloc (09022015). Collection method: clinical testing. Allele origin: germline.
Comment: This sequence change creates a premature translational stop signal (p.Ala457Cysfs*2) in the SPAST gene. It is expected to result in an absent or disrupted protein product. Loss-of-function variants in SPAST are known to be pathogenic (PMID: 20932283). This variant is not present in population databases (gnomAD no frequency). This premature translational stop signal has been observed in individual(s) with hereditary spastic paraplegia (Invitae). ClinVar contains an entry for this variant (Variation ID: 639149). For these reasons, this variant has been classified as Pathogenic.

Literature cited by the submitters: PubMed 20932283.

NM_014946.4(SPAST):c.1368dup (p.Ala457fs)

Gene: SPAST (spastin; plus strand). Cytogenetic location: 2p22.3.
Variant type: Duplication.
Coding change: c.1368dup on transcript NM_014946.4 (MANE Select); coding-DNA position 1368, one base duplicated (T; older notation c.1368dupT).
Protein change: p.Ala457fs; shifts the reading frame from alanine 457.
Molecular consequence: frameshift variant.
Genome position (GRCh38, 1-based): chr2:32,136,923, T duplicated. VCF-style (leftmost placement, unchanged base first): chr2-32136922-A-AT. GRCh37 (hg19) VCF-style: chr2-32361991-A-AT.
Other names: c.1368dupT (NM_014946.3); c.1365dup, p.Ala456fs (NM_001363823.2); c.1269dup, p.Ala424fs (NM_001363875.2); c.1272dup, p.Ala425fs (NM_001377959.1, NM_199436.2); short protein forms A425fs, A456fs, A424fs, A457fs.
Identifiers: ClinVar variation 639149 (VCV000639149.10), dbSNP rs1573156341, ClinGen allele CA915943725.